The following is an entry in ClinVar:

ClinVar aggregate classification (germline): Likely benign. Review status: criteria provided, multiple submitters, no conflicts (2 of 4 stars). 5 submissions from 5 submitters: Likely benign (5). Last evaluated 2026-01-12.

Conditions:
Aortic aneurysm, familial thoracic 4 (AAT4). Also called: AORTIC ANEURYSM/AORTIC DISSECTION AND PATENT DUCTUS ARTERIOSUS. Identifiers: MedGen C1851504, MONDO:0007568, OMIM 132900.
Familial thoracic aortic aneurysm and aortic dissection (TAAD). Also called: Thoracic aortic aneurysms and dissections. Identifiers: Orphanet 91387, MedGen C4707243, MONDO:0019625.

Allele frequency attached by ClinVar (database versions not stated): gnomAD 0.00001 and 0.00005; gnomAD exomes 0.00001 and 0.00002; ExAC 0.00002; 1000 Genomes Project 30x 0.00031; 1000 Genomes Project 0.00040.
gnomAD v4.1: 27 of 1,614,196 alleles (0.0017%); highest among the groups gnomAD compares: African/African-American, 0.013%; no homozygotes.

Submissions (5):

Labcorp Genetics (formerly Invitae), Labcorp
Classification: Likely benign for Aortic aneurysm, familial thoracic 4. Last evaluated: 2026-01-12. Review status: criteria provided, single submitter. Criteria: Invitae Variant Classification Sherloc (09022015). Collection method: clinical testing. Allele origin: germline.

Ambry Genetics
Classification: Likely benign for Familial thoracic aortic aneurysm and aortic dissection. Last evaluated: 2024-03-13. Review status: criteria provided, single submitter. Criteria: Ambry Variant Classification Scheme 2023. Collection method: clinical testing. Allele origin: germline.

All of Us Research Program, National Institutes of Health
Classification: Likely benign for Familial thoracic aortic aneurysm and aortic dissection. Last evaluated: 2022-11-28. Review status: criteria provided, single submitter. Criteria: ACMG Guidelines, 2015. Collection method: clinical testing. Allele origin: germline. Inheritance: Autosomal dominant inheritance. Observed: 1 variant allele, 1 heterozygote.
Comment: This study involves interpretation of variants in research participants for the purpose of population health screening. Participant phenotype was not available at the time of variant classification. Additional details can be found in publication PMID: 35346344, PMCID: PMC8962531

Blueprint Genetics
Classification: Likely benign. Last evaluated: 2019-11-25. Review status: criteria provided, single submitter. Criteria: ACMG Guidelines, 2015. Collection method: clinical testing. Allele origin: germline.

Color Diagnostics, LLC DBA Color Health
Classification: Likely benign for Familial thoracic aortic aneurysm and aortic dissection. Last evaluated: 2019-10-01. Review status: criteria provided, single submitter. Criteria: ACMG Guidelines, 2015. Collection method: clinical testing. Allele origin: germline.

NM_002474.3(MYH11):c.5448C>T (p.Ile1816=)

Genes: MYH11 (myosin heavy chain 11; minus strand), NDE1 (nudE neurodevelopment protein 1; plus strand). Cytogenetic location: 16p13.11.
Variant type: single nucleotide variant.
Coding change: c.5448C>T on transcript NM_002474.3 (MANE Select); coding-DNA position 5448, C replaced by T.
Protein change: p.Ile1816=; no amino-acid change (isoleucine 1816 retained).
Molecular consequence: synonymous variant. On other transcripts: intron variant (2).
Genome position (GRCh38, 1-based): chr16:15,717,196, G>A on the plus strand (C>T on the coding strand, the complement: MYH11 is on the minus strand). VCF-style: chr16-15717196-G-A. GRCh37 (hg19) VCF-style: chr16-15811053-G-A.
Other names: c.5469C>T, p.Ile1823= (NM_001040113.2, NM_001040114.2); c.5448C>T, p.Ile1816= (NM_022844.3); c.948-6995G>A (NM_001143979.2, NM_017668.3).
Identifiers: ClinVar variation 771629 (VCV000771629.16), dbSNP rs201308235, ClinGen allele CA7921269.
Genomic context (GRCh38, chr16:15,717,196, plus strand): 5'-ATACCTGGCCTCCTGCTCGACCTGCTCCTCCAGCTGTGCAATCTTGGCCTCCAGCGCCGC[G>A]ATGGTGGACTTGAACTTGGACTTGACGGCCCCCTCCATCTCGTGGAGCTTGCTCCGGAGC-3'
Protein context (NP_002465.1, residues 1806-1826): GAVKSKFKST[Ile1816=]AALEAKIAQL